The following is an entry in ClinVar:

NM_001204375.2(NPR3):c.1256T>A (p.Ile419Asn)

Gene: NPR3 (natriuretic peptide receptor 3; plus strand). Cytogenetic location: 5p13.3.
Variant type: single nucleotide variant.
Coding change: c.1256T>A on transcript NM_001204375.2 (MANE Select); coding-DNA position 1256, T replaced by A.
Protein change: p.Ile419Asn; replaces isoleucine 419 with asparagine.
Molecular consequence: missense variant.
Genome position (GRCh38, 1-based): chr5:32,780,782, T>A. VCF-style: chr5-32780782-T-A. GRCh37 (hg19) VCF-style: chr5-32780888-T-A.
Other names: c.485T>A, p.Ile162Asn (NM_001364460.2); c.1256T>A, p.Ile419Asn (NM_000908.4); c.608T>A, p.Ile203Asn (NM_001204376.2, NM_001363652.2); c.536T>A, p.Ile179Asn (NM_001364458.2); short protein forms I162N, I179N, I203N, I419N.
Identifiers: ClinVar variation 1714131 (VCV001714131.5), dbSNP rs752621730, ClinGen allele CA359468082.

ClinVar aggregate classification (germline): Uncertain significance (1 of 4 stars; one submission).

Submission:

Labcorp Genetics (formerly Invitae), Labcorp
Classification: Uncertain significance. Last evaluated: 2025-04-17. Review status: criteria provided, single submitter. Criteria: Invitae Variant Classification Sherloc (09022015). Collection method: clinical testing. Allele origin: germline.
Comment: This sequence change replaces isoleucine, which is neutral and non-polar, with asparagine, which is neutral and polar, at codon 419 of the NPR3 protein (p.Ile419Asn). This variant is not present in population databases (gnomAD no frequency). This variant has not been reported in the literature in individuals affected with NPR3-related conditions. ClinVar contains an entry for this variant (Variation ID: 1714131). An algorithm developed to predict the effect of missense changes on protein structure and function (PolyPhen-2) suggests that this variant is likely to be disruptive. In summary, the available evidence is currently insufficient to determine the role of this variant in disease. Therefore, it has been classified as a Variant of Uncertain Significance.